The following is an entry in ClinVar:

NM_001374736.1(DST):c.2951G>C (p.Arg984Pro)

Gene: DST (dystonin; minus strand). Cytogenetic location: 6p12.1.
Variant type: single nucleotide variant.
Coding change: c.2951G>C on transcript NM_001374736.1 (MANE Select); coding-DNA position 2951, G replaced by C.
Protein change: p.Arg984Pro; replaces arginine 984 with proline.
Molecular consequence: missense variant.
Genome position (GRCh38, 1-based): chr6:56,639,272, C>G on the plus strand (G>C on the coding strand, the complement: DST is on the minus strand). VCF-style: chr6-56639272-C-G. GRCh37 (hg19) VCF-style: chr6-56504070-C-G.
Other names: c.2852G>C, p.Arg951Pro (NM_001144769.5); c.2438G>C, p.Arg813Pro (NM_001144770.2); c.2951G>C, p.Arg984Pro (NM_001374722.1); c.2318G>C, p.Arg773Pro (NM_001374729.1, NM_001374730.1, NM_001386100.1 and 1 more transcripts); c.2978G>C, p.Arg993Pro (NM_001374734.1); c.1340G>C, p.Arg447Pro (NM_001723.7, NM_015548.5); short protein forms R447P, R773P, R813P, R951P, R984P, R993P.
Identifiers: ClinVar variation 4527479 (VCV004527479.1).

ClinVar aggregate classification (germline): Uncertain significance (1 of 4 stars; one submission).

Submission:

GeneDx
Classification: Uncertain significance. Last evaluated: 2025-04-25. Review status: criteria provided, single submitter. Criteria: GeneDx Variant Classification Process June 2021. Collection method: clinical testing. Allele origin: germline. Affected: yes.
Comment: Not observed at significant frequency in large population cohorts (gnomAD); In silico analysis supports that this missense variant has a deleterious effect on protein structure/function; Has not been previously published as pathogenic or benign to our knowledge; Reported using the transcript encoding the epithelial isoform of the gene